The following is an entry in ClinVar:

ClinVar aggregate classification (germline): Pathogenic. Review status: criteria provided, multiple submitters, no conflicts (2 of 4 stars). 9 submissions from 9 submitters: Pathogenic (9). Last evaluated 2026-01-01.

Conditions:
Wilson disease (WND). Also called: Wilson's disease. Identifiers: Orphanet 905, MedGen C0019202, MONDO:0010200, OMIM 277900. Disease mechanism: loss of function.

Allele frequency attached by ClinVar (database versions not stated): gnomAD 0.00001; gnomAD exomes 0.00001.

Submissions (9):

CeGaT Center for Human Genetics Tuebingen
Classification: Pathogenic. Last evaluated: 2026-01-01. Review status: criteria provided, single submitter. Criteria: CeGaT Center For Human Genetics Tuebingen Variant Classification Criteria Version 2. Collection method: clinical testing. Allele origin: germline. Affected: yes. Observed: 1 variant allele.
Comment: ATP7B: PVS1, PM3:Strong, PM2

Natera, Inc.
Classification: Pathogenic for Wilson disease. Last evaluated: 2025-06-08. Review status: criteria provided, single submitter. Criteria: Natera Variant Classification Schema (03/2026). Collection method: clinical testing. Allele origin: germline.
Comment: The c.1746dupA variant in ATP7B is a frameshift variant predicted to shift the reading frame beginning at codon 583 and leads to a stop codon 25 codons downstream. This variant is expected to result in nonsense mediated decay, truncation, or a dysfunctional protein product. This variant is rare in the general population with a frequency below the threshold expected for the associated phenotype(s). This variant has been observed in one or more individuals affected with the associated recessive disease, as either homozygous or compound heterozygous with a second variant (PMID: 23518715). Given the available evidence, this variant is classified as Pathogenic.

Fulgent Genetics
Classification: Pathogenic for Wilson disease. Last evaluated: 2024-02-26. Review status: criteria provided, single submitter. Criteria: ACMG Guidelines, 2015. Collection method: clinical testing. Allele origin: germline.

Labcorp Genetics (formerly Invitae), Labcorp
Classification: Pathogenic for Wilson disease. Last evaluated: 2024-02-02. Review status: criteria provided, single submitter. Criteria: Invitae Variant Classification Sherloc (09022015). Collection method: clinical testing. Allele origin: germline.
Comment: This sequence change creates a premature translational stop signal (p.Glu583Argfs*25) in the ATP7B gene. It is expected to result in an absent or disrupted protein product. Loss-of-function variants in ATP7B are known to be pathogenic (PMID: 10441329, 16283883). This variant is present in population databases (no rsID available, gnomAD 0.006%). This premature translational stop signal has been observed in individual(s) with Wilson disease (PMID: 23518715). ClinVar contains an entry for this variant (Variation ID: 1069715). For these reasons, this variant has been classified as Pathogenic.

All of Us Research Program, National Institutes of Health
Classification: Pathogenic for Wilson disease. Last evaluated: 2023-08-08. Review status: criteria provided, single submitter. Criteria: ACMG Guidelines, 2015. Collection method: clinical testing. Allele origin: germline. Inheritance: Autosomal recessive inheritance. Observed: 1 variant allele, 1 heterozygote.
Comment: This variant inserts 1 nucleotide in exon 5 of the ATP7B gene, creating a frameshift and premature translation stop signal. This variant is expected to result in an absent or non-functional protein product. This variant has been observed in individuals affected with autosomal recessive Wilson disease (PMID: 23518715, 30120852, 34786365, 37323222), including one individual in the compound heterozygous state with a second pathogenic ATP7B variant (PMID: 23518715) and in three individuals in the homozygous state (PMID: 34786365, 37323222). This variant has been identified in 2/249568 chromosomes in the general population by the Genome Aggregation Database (gnomAD). Loss of ATP7B function is a known mechanism of disease. Based on the available evidence, this variant is classified as Pathogenic.

This study involves interpretation of variants in research participants for the purpose of population health screening. Participant phenotype was not available at the time of variant classification. Additional details can be found in publication PMID: 35346344, PMCID: PMC8962531

ARUP Laboratories, Molecular Genetics and Genomics, ARUP Laboratories
Classification: Pathogenic for Wilson disease. Last evaluated: 2022-07-07. Review status: criteria provided, single submitter. Criteria: ARUP Molecular Germline Variant Investigation Process 2021. Collection method: clinical testing. Allele origin: germline.
Comment: The ATP7B c.1746dup; p.Glu583ArgfsTer25 variant (rs1566559605) is reported in the literature as compound heterozygous and homozygous in multiple individuals affected with Wilson disease (Coffey 2013, Fernando 2021). This variant is reported in ClinVar (Variation ID: 1069715) and is only observed on two alleles in the Genome Aggregation Database, indicating it is not a common polymorphism. This variant causes a frameshift by inserting a single nucleotide, so it is predicted to result in a truncated protein or mRNA subject to nonsense-mediated decay. Based on available information, this variant is considered to be pathogenic. References: Coffey AJ et al. A genetic study of Wilson's disease in the United Kingdom. Brain. 2013 May;136(Pt 5):1476-87. PMID: 23518715 Fernando M et al. Wilson's Disease and Hyperornithinemia-hyperammonemia-homocitrullinuria Syndrome in a Child: A Case Report with Lessons Learned! Euroasian J Hepatogastroenterol. 2021 Jul-Dec;11(2):100-102. PMID: 34786365.

Baylor Genetics
Classification: Pathogenic for Wilson disease. Last evaluated: 2022-03-26. Review status: criteria provided, single submitter. Criteria: ACMG Guidelines, 2015. Collection method: clinical testing. Allele origin: unknown.

Genome-Nilou Lab
Classification: Pathogenic for Wilson disease. Last evaluated: 2021-08-10. Review status: criteria provided, single submitter. Criteria: ACMG Guidelines, 2015. Collection method: clinical testing. Allele origin: germline. Affected: no.

Laboratory for Molecular Medicine, Mass General Brigham Personalized Medicine
Classification: Pathogenic for Wilson disease. Last evaluated: 2020-06-11. Review status: criteria provided, single submitter. Criteria: ACMG Guidelines, 2015. Collection method: clinical testing. Allele origin: germline.
Comment: The p.Glu583ArgfsX25 variant in ATP7B has been reported in several individuals with Wilson disease, including at least 3 homozygous and 1 compound heterozygous with a second pathogenic variant (Coffey 2013). It has also been identified in 0.007% (2/30602) of South Asian chromosomes by gnomAD. This variant is predicted to cause a frameshift, which alters the protein’s amino acid sequence beginning at position 583 and leads to a premature termination codon 25 amino acids downstream. This alteration is then predicted to lead to a truncated or absent protein. Loss of function of the ATP7B gene is an established disease mechanism in autosomal recessive Wilson disease. In summary, this variant meets criteria to be classified as pathogenic for autosomal recessive Wilson disease. ACMG/AMP Criteria applied: PVS1, PM2, PM3, PP4.

Literature cited by the submitters: PubMed 23518715 (cited by 4 submitters); PubMed 10441329 (cited by Labcorp Genetics (formerly Invitae), Labcorp); PubMed 16283883 (cited by Labcorp Genetics (formerly Invitae), Labcorp); PubMed 30120852 (cited by All of Us Research Program, National Institutes of Health); PubMed 34786365 (cited by All of Us Research Program, National Institutes of Health); PubMed 37323222 (cited by All of Us Research Program, National Institutes of Health).

NM_000053.4(ATP7B):c.1746dup (p.Glu583fs)

Gene: ATP7B (ATPase copper transporting beta; minus strand). Cytogenetic location: 13q14.3.
Variant type: Duplication.
Coding change: c.1746dup on transcript NM_000053.4 (MANE Select); coding-DNA position 1746, one base duplicated (A; older notation c.1746dupA).
Protein change: p.Glu583fs; shifts the reading frame from glutamic acid 583.
Molecular consequence: frameshift variant.
Genome position (GRCh38, 1-based): chr13:51,964,995, T duplicated on the plus strand (A on the coding strand, the reverse complement: ATP7B is on the minus strand). VCF-style (leftmost placement, unchanged base first): chr13-51964994-C-CT. GRCh37 (hg19) VCF-style: chr13-52539130-C-CT.
Other names: c.1746dup, p.Glu583fs (NM_001005918.3, NM_001330578.2, NM_001330579.2); c.1413dup, p.Glu472fs (NM_001243182.2); c.1746dupA (NM_000053.3); short protein forms E472fs, E583fs.
Identifiers: ClinVar variation 1069715 (VCV001069715.22), dbSNP rs1566559605, ClinGen allele CA609969642.